The following is an entry in ClinVar:

NM_001184.4(ATR):c.2261C>A (p.Ser754Ter)

Gene: ATR (ATR checkpoint kinase; minus strand). Cytogenetic location: 3q23.
Variant type: single nucleotide variant.
Coding change: c.2261C>A on transcript NM_001184.4 (MANE Select); coding-DNA position 2261, C replaced by A.
Protein change: p.Ser754Ter; replaces serine 754 with a stop codon.
Molecular consequence: nonsense.
Genome position (GRCh38, 1-based): chr3:142,555,957, G>T on the plus strand (C>A on the coding strand, the complement: ATR is on the minus strand). VCF-style: chr3-142555957-G-T. GRCh37 (hg19) VCF-style: chr3-142274799-G-T.
Other names: c.2069C>A, p.Ser690Ter (NM_001354579.2); short protein forms S690*, S754*.
Identifiers: ClinVar variation 3728493 (VCV003728493.2).

ClinVar aggregate classification (germline): Pathogenic (1 of 4 stars; one submission).

Submission:

Labcorp Genetics (formerly Invitae), Labcorp
Classification: Pathogenic. Last evaluated: 2025-01-05. Review status: criteria provided, single submitter. Criteria: Invitae Variant Classification Sherloc (09022015). Collection method: clinical testing. Allele origin: germline.
Comment: This sequence change creates a premature translational stop signal (p.Ser754*) in the ATR gene. It is expected to result in an absent or disrupted protein product. Loss-of-function variants in ATR are known to be pathogenic (PMID: 21228398, 23144622). This variant is not present in population databases (gnomAD no frequency). This variant has not been reported in the literature in individuals affected with ATR-related conditions. For these reasons, this variant has been classified as Pathogenic.

Literature cited by the submitters: PubMed 21228398; PubMed 23144622.